The following is an entry in ClinVar:

ClinVar aggregate classification (germline): Uncertain significance. Review status: criteria provided, multiple submitters, no conflicts (2 of 4 stars). 2 submissions from 2 submitters: Uncertain significance (2). Last evaluated 2025-06-20.

Conditions:
Hereditary cancer-predisposing syndrome. Also called: Hereditary neoplastic syndrome; Neoplastic Syndromes, Hereditary; Hereditary Cancer Syndrome; Tumor predisposition. Identifiers: Orphanet 140162, MedGen C0027672, MeSH D009386, MONDO:0015356.
Rhabdoid tumor predisposition syndrome 2 (RTPS2). Identifiers: Orphanet 231108, Orphanet 69077, MedGen C2750074, MONDO:0013224, OMIM 613325.

gnomAD v4.1: 2 of 1,536,334 alleles (0.00013%); highest among the groups gnomAD compares: Non-Finnish European, 0.00017%; no homozygotes.

Submissions (2):

Ambry Genetics
Classification: Uncertain significance for Hereditary cancer-predisposing syndrome. Last evaluated: 2025-06-20. Review status: criteria provided, single submitter. Criteria: Ambry Variant Classification Scheme 2023. Collection method: clinical testing. Allele origin: germline.
Comment: The p.Y249C variant (also known as c.746A>G), located in coding exon 3 of the SMARCA4 gene, results from an A to G substitution at nucleotide position 746. The tyrosine at codon 249 is replaced by cysteine, an amino acid with highly dissimilar properties. This amino acid position is conserved. In addition, this alteration is predicted to be deleterious by in silico analysis. Based on the available evidence, the clinical significance of this variant remains unclear.

Labcorp Genetics (formerly Invitae), Labcorp
Classification: Uncertain significance for Rhabdoid tumor predisposition syndrome 2. Last evaluated: 2024-11-25. Review status: criteria provided, single submitter. Criteria: Invitae Variant Classification Sherloc (09022015). Collection method: clinical testing. Allele origin: germline.
Comment: This sequence change replaces tyrosine, which is neutral and polar, with cysteine, which is neutral and slightly polar, at codon 249 of the SMARCA4 protein (p.Tyr249Cys). This variant is not present in population databases (gnomAD no frequency). This variant has not been reported in the literature in individuals affected with SMARCA4-related conditions. Invitae Evidence Modeling of protein sequence and biophysical properties (such as structural, functional, and spatial information, amino acid conservation, physicochemical variation, residue mobility, and thermodynamic stability) indicates that this missense variant is not expected to disrupt SMARCA4 protein function with a negative predictive value of 95%. In summary, the available evidence is currently insufficient to determine the role of this variant in disease. Therefore, it has been classified as a Variant of Uncertain Significance.

NM_003072.5(SMARCA4):c.746A>G (p.Tyr249Cys)

Gene: SMARCA4 (SWI/SNF related BAF chromatin remodeling complex subunit ATPase 4; plus strand). Cytogenetic location: 19p13.2.
Variant type: single nucleotide variant.
Coding change: c.746A>G on transcript NM_003072.5 (MANE Select); coding-DNA position 746, A replaced by G.
Protein change: p.Tyr249Cys; replaces tyrosine 249 with cysteine.
Molecular consequence: missense variant. On other transcripts: non-coding transcript variant (1).
Genome position (GRCh38, 1-based): chr19:10,986,579, A>G. VCF-style: chr19-10986579-A-G. GRCh37 (hg19) VCF-style: chr19-11097255-A-G.
Other names: c.746A>G, p.Tyr249Cys (NM_001128844.3, NM_001128845.2, NM_001128846.2 and 6 more transcripts); c.746A>G (NM_001128849.1); short protein forms Y249C.
Identifiers: ClinVar variation 3713084 (VCV003713084.3).